The following is an entry in ClinVar:

ClinVar aggregate classification (germline): Likely benign. Review status: criteria provided, multiple submitters, no conflicts (2 of 4 stars). 2 submissions from 2 submitters: Likely benign (2). Last evaluated 2025-12-29.

Allele frequency attached by ClinVar (database versions not stated): TOPMed below 0.00001.
gnomAD v4.1: 12 of 1,612,678 alleles (0.00074%); highest among the groups gnomAD compares: Non-Finnish European, 0.001%; no homozygotes.

Submissions (2):

Labcorp Genetics (formerly Invitae), Labcorp
Classification: Likely benign. Last evaluated: 2025-12-29. Review status: criteria provided, single submitter. Criteria: Invitae Variant Classification Sherloc (09022015). Collection method: clinical testing. Allele origin: germline.

CeGaT Center for Human Genetics Tuebingen
Classification: Likely benign. Last evaluated: 2022-05-01. Review status: criteria provided, single submitter. Criteria: CeGaT Center For Human Genetics Tuebingen Variant Classification Criteria Version 2. Collection method: clinical testing. Allele origin: germline. Affected: yes. Observed: 1 variant allele.
Comment: COL4A1: BP4, BP7

NM_001845.6(COL4A1):c.1560G>A (p.Leu520=)

Gene: COL4A1 (collagen type IV alpha 1 chain; minus strand). Cytogenetic location: 13q34.
Variant type: single nucleotide variant.
Coding change: c.1560G>A on transcript NM_001845.6 (MANE Select); coding-DNA position 1560, G replaced by A.
Protein change: p.Leu520=; no amino-acid change (leucine 520 retained).
Molecular consequence: synonymous variant.
Genome position (GRCh38, 1-based): chr13:110,187,306, C>T on the plus strand (G>A on the coding strand, the complement: COL4A1 is on the minus strand). VCF-style: chr13-110187306-C-T. GRCh37 (hg19) VCF-style: chr13-110839653-C-T.
Identifiers: ClinVar variation 1545822 (VCV001545822.31), dbSNP rs767901841, ClinGen allele CA7047879.